The following is an entry in ClinVar:

ClinVar aggregate classification (germline): Uncertain significance (1 of 4 stars; one submission).

Submission:

GeneDx
Classification: Uncertain significance. Last evaluated: 2022-11-30. Review status: criteria provided, single submitter. Criteria: GeneDx Variant Classification Process June 2021. Collection method: clinical testing. Allele origin: germline. Affected: yes.
Comment: Not observed at significant frequency in large population cohorts (gnomAD); Canonical splice site variant in a gene or region of a gene for which loss of function is not a well-established mechanism of disease; Has not been previously published as pathogenic or benign to our knowledge

NM_001366110.1(PAX4):c.144+2_144+8del

Gene: PAX4 (paired box 4; minus strand). Cytogenetic location: 7q32.1.
Variant type: Deletion.
Coding change: c.144+2_144+8del on transcript NM_001366110.1 (MANE Select); the canonical splice donor site of the intron after coding-DNA position 144 through 8 bases into the intron after coding-DNA position 144, 7 bases deleted (TAATGGG; older notation c.144+2_144+8delTAATGGG).
Molecular consequence: splice donor variant.
Genome position (GRCh38, 1-based): chr7:127,615,393-127,615,399, CCCATTA deleted on the plus strand (TAATGGG on the coding strand, the reverse complement: PAX4 is on the minus strand); deleting any 7 consecutive bases within chr7:127,615,393-127,615,401 gives the same sequence; the c. name uses the placement nearest the transcript's 3' end. VCF-style (leftmost placement, unchanged base first): chr7-127615392-GCCCATTA-G. GRCh37 (hg19) VCF-style: chr7-127255446-GCCCATTA-G.
Other names: c.144+2_144+8del (NM_001366111.1).
Identifiers: ClinVar variation 2504202 (VCV002504202.1), dbSNP rs2535521357, ClinGen allele CA2580614257.